The following is an entry in ClinVar:

NM_001130004.2(ACTN1):c.1819G>A (p.Val607Met)

Gene: ACTN1 (actinin alpha 1; minus strand). Cytogenetic location: 14q24.1.
Variant type: single nucleotide variant.
Coding change: c.1819G>A on transcript NM_001130004.2 (MANE Select); coding-DNA position 1819, G replaced by A.
Protein change: p.Val607Met; replaces valine 607 with methionine.
Molecular consequence: missense variant.
Genome position (GRCh38, 1-based): chr14:68,882,592, C>T on the plus strand (G>A on the coding strand, the complement: ACTN1 is on the minus strand). VCF-style: chr14-68882592-C-T. GRCh37 (hg19) VCF-style: chr14-69349309-C-T.
Other names: c.1819G>A, p.Val607Met (NM_001102.4, NM_001130005.2, NM_001424012.1 and 2 more transcripts); c.1843G>A, p.Val615Met (NM_001411035.1, NM_001424016.1); c.1624G>A, p.Val542Met (NM_001411036.1, NM_001424026.1, NM_001424028.1); c.1945G>A, p.Val649Met (NM_001424013.1); c.1906G>A, p.Val636Met (NM_001424015.1); c.1816G>A, p.Val606Met (NM_001424017.1); c.1780G>A, p.Val594Met (NM_001424018.1); c.1636G>A, p.Val546Met (NM_001424019.1, NM_001424024.1, NM_001424025.1 and 2 more transcripts); and 3 more; short protein forms V586M, V546M, V607M, V615M, V606M, V636M, V332M, V542M.
Identifiers: ClinVar variation 4730200 (VCV004730200.1).

ClinVar aggregate classification (germline): Uncertain significance (1 of 4 stars; one submission).

gnomAD v4.1: 2 of 1,614,058 alleles (0.00012%); highest among the groups gnomAD compares: Non-Finnish European, 0.00017%; no homozygotes.

Submission:

Labcorp Genetics (formerly Invitae), Labcorp
Classification: Uncertain significance. Last evaluated: 2025-10-29. Review status: criteria provided, single submitter. Criteria: Invitae Variant Classification Sherloc (09022015). Collection method: clinical testing. Allele origin: germline.
Comment: This sequence change replaces valine, which is neutral and non-polar, with methionine, which is neutral and non-polar, at codon 607 of the ACTN1 protein (p.Val607Met). This variant is not present in population databases (gnomAD no frequency). This variant has not been reported in the literature in individuals affected with ACTN1-related conditions. An algorithm developed to predict the effect of missense changes on protein structure and function (PolyPhen-2) suggests that this variant is likely to be tolerated. In summary, the available evidence is currently insufficient to determine the role of this variant in disease. Therefore, it has been classified as a Variant of Uncertain Significance.